The following is an entry in ClinVar:

ClinVar aggregate classification (germline): Uncertain significance (1 of 4 stars; one submission).

Conditions:
Cardiovascular phenotype. Identifiers: MedGen CN230736.

Allele frequency attached by ClinVar (database versions not stated): gnomAD exomes below 0.00001.
gnomAD v4.1: 1 of 1,614,148 alleles (0.000062%); highest among the groups gnomAD compares: Non-Finnish European, 0.000085%; no homozygotes.

Submission:

Ambry Genetics
Classification: Uncertain significance for Cardiovascular phenotype. Last evaluated: 2020-08-14. Review status: criteria provided, single submitter. Criteria: Ambry Variant Classification Scheme 2023. Collection method: clinical testing. Allele origin: germline.
Comment: The p.A311V variant (also known as c.932C>T), located in coding exon 18 of the COL1A2 gene, results from a C to T substitution at nucleotide position 932. The alanine at codon 311 is replaced by valine, an amino acid with similar properties. This amino acid position is well conserved in available vertebrate species. In addition, the in silico prediction for this alteration is inconclusive. Since supporting evidence is limited at this time, the clinical significance of this alteration remains unclear.

NM_000089.4(COL1A2):c.932C>T (p.Ala311Val)

Gene: COL1A2 (collagen type I alpha 2 chain; plus strand). Cytogenetic location: 7q21.3.
Variant type: single nucleotide variant.
Coding change: c.932C>T on transcript NM_000089.4 (MANE Select); coding-DNA position 932, C replaced by T.
Protein change: p.Ala311Val; replaces alanine 311 with valine.
Molecular consequence: missense variant.
Genome position (GRCh38, 1-based): chr7:94,409,604, C>T. VCF-style: chr7-94409604-C-T. GRCh37 (hg19) VCF-style: chr7-94038916-C-T.
Other names: short protein forms A311V.
Identifiers: ClinVar variation 1766584 (VCV001766584.2), dbSNP rs2484708043, ClinGen allele CA368220811.
Genomic context (GRCh38, chr7:94,409,604, plus strand): 5'-TCCTTTCCTTTTCCTCATAGGGTAATCCTGGAGCAAACGGCCTTACTGGTGCCAAGGGTG[C>T]TGCTGTGAGTATACCTGCGTAGCTAAAATGTGCTGCTATGATTTTAAAGGCATTTAATGT-3'
Protein context (NP_000080.2, residues 301-321): GANGLTGAKG[Ala311Val]AGLPGVAGAP